The following is an entry in ClinVar:

ClinVar aggregate classification (germline): Uncertain significance (1 of 4 stars; one submission).

Conditions:
Werner syndrome (WRN). Identifiers: Orphanet 902, MedGen C0043119, MONDO:0010196, OMIM 277700.

Allele frequency attached by ClinVar (database versions not stated): gnomAD exomes below 0.00001.
gnomAD v4.1: 1 of 1,589,264 alleles (0.000063%); highest among the groups gnomAD compares: Non-Finnish European, 0.000086%; no homozygotes.

Submission:

Labcorp Genetics (formerly Invitae), Labcorp
Classification: Uncertain significance for Werner syndrome. Last evaluated: 2023-01-18. Review status: criteria provided, single submitter. Criteria: Invitae Variant Classification Sherloc (09022015). Collection method: clinical testing. Allele origin: germline.
Comment: In summary, the available evidence is currently insufficient to determine the role of this variant in disease. Therefore, it has been classified as a Variant of Uncertain Significance. Algorithms developed to predict the effect of sequence changes on RNA splicing suggest that this variant may disrupt the consensus splice site. An algorithm developed to predict the effect of missense changes on protein structure and function (PolyPhen-2) suggests that this variant is likely to be disruptive. This variant has not been reported in the literature in individuals affected with WRN-related conditions. This variant is not present in population databases (gnomAD no frequency). This sequence change replaces serine, which is neutral and polar, with cysteine, which is neutral and slightly polar, at codon 1122 of the WRN protein (p.Ser1122Cys).

NM_000553.6(WRN):c.3364A>T (p.Ser1122Cys)

Gene: WRN (WRN RecQ like helicase; plus strand). Cytogenetic location: 8p12.
Variant type: single nucleotide variant.
Coding change: c.3364A>T on transcript NM_000553.6 (MANE Select); coding-DNA position 3364, A replaced by T.
Protein change: p.Ser1122Cys; replaces serine 1122 with cysteine.
Molecular consequence: missense variant.
Genome position (GRCh38, 1-based): chr8:31,143,604, A>T. VCF-style: chr8-31143604-A-T. GRCh37 (hg19) VCF-style: chr8-31001120-A-T.
Other names: short protein forms S1122C.
Identifiers: ClinVar variation 2811963 (VCV002811963.3), dbSNP rs2130427104, ClinGen allele CA370924152.